The following is an entry in ClinVar:

ClinVar aggregate classification (germline): Likely pathogenic. Review status: criteria provided, multiple submitters, no conflicts (2 of 4 stars). 3 submissions from 3 submitters: Likely pathogenic (3). Last evaluated 2022-03-14.

Conditions:
Cardiomyopathy (CMYO). Also called: Cardiomyopathies. Identifiers: Orphanet 167848, MedGen C0878544, MONDO:0004994, HP:0001638. Inheritance: Various modes of inheritance.
Primary dilated cardiomyopathy (DCM). Also called: Dilated Cardiomyopathy. Identifiers: Orphanet 217604, MedGen C0007193, MeSH D002311, MONDO:0005021, HP:0001644. Inheritance: Various modes of inheritance.

Submissions (3):

Revvity Omics, Revvity
Classification: Likely pathogenic. Last evaluated: 2022-03-14. Review status: criteria provided, single submitter. Criteria: ACMG Guidelines, 2015. Collection method: clinical testing. Allele origin: germline.

CHEO Genetics Diagnostic Laboratory, Children's Hospital of Eastern Ontario
Classification: Likely pathogenic for Cardiomyopathy. Last evaluated: 2019-09-12. Review status: criteria provided, single submitter. Criteria: ACMG Guidelines, 2015. Collection method: clinical testing. Allele origin: germline.

Cardiovascular Biomedical Research Unit, Royal Brompton & Harefield NHS Foundation Trust
Classification: Likely pathogenic for Primary dilated cardiomyopathy. Last evaluated: 2014-10-08. Review status: criteria provided, single submitter. Criteria: Roberts et al. 2015. Collection method: research. Allele origin: germline. Inheritance: Autosomal dominant inheritance. Affected: yes. Observed: 1 variant allele. Study: Familial DCM.
Comment: In the seven cohorts assessed, TTNtv were found in 14% of ambulant DCM, 22% end-stage or familial DCM, and 2% controls. Heterozygous nonsense, frameshift and canonical splice-disrupting variants found in constitutive and other highly utilised exons are highly likely to be pathogenic when identified in individuals with phenotypically confirmed DCM. TTNtv found incidentally in healthy individuals (excluding familial assessment of DCM relatives) are thought to have low penetrance, particularly when identified in exons that are not constitutively expressed in the heart.

NM_001267550.2(TTN):c.74880_74883dup (p.Pro24962fs)

Genes: TTN (titin; minus strand), TTN-AS1 (TTN antisense RNA 1; plus strand). Cytogenetic location: 2q31.2.
Variant type: Duplication.
Coding change: c.74880_74883dup on transcript NM_001267550.2 (MANE Select); coding-DNA positions 74880 to 74883, 4 bases duplicated (AACA; older notation c.74880_74883dupAACA).
Protein change: p.Pro24962fs; shifts the reading frame from proline 24962.
Molecular consequence: frameshift variant.
Genome position (GRCh38, 1-based): chr2:178,571,249-178,571,252, TGTT duplicated on the plus strand (AACA on the coding strand, the reverse complement: TTN is on the minus strand); duplicating any 4 consecutive bases within chr2:178,571,249-178,571,253 gives the same sequence; the c. name uses the placement nearest the transcript's 3' end. VCF-style (leftmost placement, unchanged base first): chr2-178571248-G-GTGTT. GRCh37 (hg19) VCF-style: chr2-179435975-G-GTGTT.
Other names: c.74880_74883dupAACA (LRG_391t1); c.69957_69960dup, p.Pro23321fs (NM_001256850.1); c.47685_47688dup, p.Pro15897fs (NM_003319.4); c.67176_67179dup, p.Pro22394fs (NM_133378.4); c.48060_48063dup, p.Pro16022fs (NM_133432.3); c.48261_48264dup, p.Pro16089fs (NM_133437.4); short protein forms P15897fs, P16022fs, P16089fs, P22394fs, P23321fs, P24962fs.
Identifiers: ClinVar variation 223382 (VCV000223382.6), dbSNP rs869312116, ClinGen allele CA353153.